The following is an entry in ClinVar:

NM_000474.4(TWIST1):c.210C>T (p.Ala70=)

Gene: TWIST1 (twist family bHLH transcription factor 1; minus strand). Cytogenetic location: 7p21.1.
Variant type: single nucleotide variant.
Coding change: c.210C>T on transcript NM_000474.4 (MANE Select); coding-DNA position 210, C replaced by T.
Protein change: p.Ala70=; no amino-acid change (alanine 70 retained).
Molecular consequence: synonymous variant. On other transcripts: non-coding transcript variant (1).
Genome position (GRCh38, 1-based): chr7:19,117,112, G>A on the plus strand (C>T on the coding strand, the complement: TWIST1 is on the minus strand). VCF-style: chr7-19117112-G-A. GRCh37 (hg19) VCF-style: chr7-19156735-G-A.
Identifiers: ClinVar variation 3034472 (VCV003034472.2), dbSNP rs2486051154, ClinGen allele CA454143931.

ClinVar aggregate classification (germline): Likely benign (0 of 4 stars; one submission).

Conditions:
TWIST1-related disorder.

gnomAD v4.1: 4 of 1,213,750 alleles (0.00033%); highest among the groups gnomAD compares: South Asian, 0.014%; no homozygotes.

Submission:

PreventionGenetics, part of Exact Sciences
Classification: Likely benign for TWIST1-related condition. Last evaluated: 2022-02-18. Review status: no assertion criteria provided. Collection method: clinical testing. Allele origin: germline.
Comment: This variant is classified as likely benign based on ACMG/AMP sequence variant interpretation guidelines (Richards et al. 2015 PMID: 25741868, with internal and published modifications).